The following is an entry in ClinVar:

ClinVar aggregate classification (germline): Likely benign. Review status: criteria provided, single submitter (1 of 4 stars). 2 submissions from 2 submitters: Likely benign (1). 1 of the submissions does not count toward it. Last evaluated 2025-02-02.

Conditions:
CTNNB1-related disorder. Also called: CTNNB1-related condition.

Allele frequency attached by ClinVar (database versions not stated): gnomAD exomes below 0.00001; TOPMed 0.00003.

Submissions (2):

Labcorp Genetics (formerly Invitae), Labcorp
Classification: Likely benign. Last evaluated: 2025-02-02. Review status: criteria provided, single submitter. Criteria: Invitae Variant Classification Sherloc (09022015). Collection method: clinical testing. Allele origin: germline.

PreventionGenetics, part of Exact Sciences
Classification: Likely benign for CTNNB1-related condition. Last evaluated: 2020-05-12. Review status: no assertion criteria provided. Collection method: clinical testing. Allele origin: germline. Not counted in ClinVar's aggregate classification.
Comment: This variant is classified as likely benign based on ACMG/AMP sequence variant interpretation guidelines (Richards et al. 2015 PMID: 25741868, with internal and published modifications).

NM_001904.4(CTNNB1):c.496-8dup

Genes: CTNNB1 (catenin beta 1; plus strand), LOC126806658 (BRD4-independent group 4 enhancer GRCh37_chr3:41265899-41267098; plus strand). Cytogenetic location: 3p22.1.
Variant type: Duplication.
Coding change: c.496-8dup on transcript NM_001904.4 (MANE Select); 8 bases into the intron before coding-DNA position 496, one base duplicated (T; older notation c.496-8dupT).
Molecular consequence: intron variant.
Genome position (GRCh38, 1-based): chr3:41,225,326, T duplicated. VCF-style (leftmost placement, unchanged base first): chr3-41225325-G-GT. GRCh37 (hg19) VCF-style: chr3-41266816-G-GT.
Other names: c.496-8dupT (NM_001904.3); c.475-8dup (NM_001330729.2); c.496-8dup (NM_001098209.2, NM_001098210.2).
Identifiers: ClinVar variation 2725472 (VCV002725472.5), dbSNP rs1444346405, ClinGen allele CA907082753.